The following is an entry in ClinVar:

ClinVar aggregate classification (germline): Uncertain significance. Review status: criteria provided, multiple submitters, no conflicts (2 of 4 stars). 5 submissions from 5 submitters: Uncertain significance (5). Last evaluated 2024-10-30.

Conditions:
Inborn genetic diseases. Identifiers: MedGen C0950123, MeSH D030342.
ALG9 congenital disorder of glycosylation (CDG1L). Also called: ALG9-CDG; CDG Il; CONGENITAL DISORDER OF GLYCOSYLATION, TYPE Il. Identifiers: Orphanet 79328, MedGen C2931006, MONDO:0012117, OMIM 608776.
Cutis laxa with osteodystrophy (ARCL2A). Also called: Autosomal recessive cutis laxa type 2A; CUTIS LAXA, AUTOSOMAL RECESSIVE, TYPE IIA; CUTIS LAXA WITH BONE DYSTROPHY; CUTIS LAXA WITH GROWTH AND DEVELOPMENTAL DELAY; CUTIS LAXA WITH JOINT LAXITY AND RETARDED DEVELOPMENT; CUTIS LAXA WITH CONGENITAL DISORDER OF GLYCOSYLATION. Identifiers: Orphanet 357058, MedGen C0268355, MONDO:0018163, OMIM 219200. Disease mechanism: loss of function.

Allele frequency attached by ClinVar (database versions not stated): gnomAD 0.00019; TOPMed 0.00019; 1000 Genomes Project 0.00040; 1000 Genomes Project 30x 0.00047.
gnomAD v4.1: 48 of 1,614,144 alleles (0.003%); highest among the groups gnomAD compares: African/African-American, 0.06%; no homozygotes.

Submissions (5):

GeneDx
Classification: Uncertain significance. Last evaluated: 2024-10-30. Review status: criteria provided, single submitter. Criteria: GeneDx Variant Classification Process June 2021. Collection method: clinical testing. Allele origin: germline. Affected: yes.
Comment: In silico analysis supports that this missense variant has a deleterious effect on protein structure/function; Has not been previously published as pathogenic or benign to our knowledge

Labcorp Genetics (formerly Invitae), Labcorp
Classification: Uncertain significance for ALG9 congenital disorder of glycosylation. Last evaluated: 2022-01-21. Review status: criteria provided, single submitter. Criteria: Invitae Variant Classification Sherloc (09022015). Collection method: clinical testing. Allele origin: germline.
Comment: This sequence change replaces asparagine, which is neutral and polar, with isoleucine, which is neutral and non-polar, at codon 477 of the ATP6V0A2 protein (p.Asn477Ile). This variant is present in population databases (rs532258057, gnomAD 0.06%). This variant has not been reported in the literature in individuals affected with ATP6V0A2-related conditions. ClinVar contains an entry for this variant (Variation ID: 194085). Algorithms developed to predict the effect of missense changes on protein structure and function are either unavailable or do not agree on the potential impact of this missense change (SIFT: "Deleterious"; PolyPhen-2: "Possibly Damaging"; Align-GVGD: "Class C15"). In summary, the available evidence is currently insufficient to determine the role of this variant in disease. Therefore, it has been classified as a Variant of Uncertain Significance.

Ambry Genetics
Classification: Uncertain significance for Inborn genetic diseases. Last evaluated: 2021-07-08. Review status: criteria provided, single submitter. Criteria: Ambry Variant Classification Scheme 2023. Collection method: clinical testing. Allele origin: germline.

Illumina Laboratory Services, Illumina
Classification: Uncertain significance for Cutis laxa with osteodystrophy. Last evaluated: 2018-01-12. Review status: criteria provided, single submitter. Criteria: ICSL Variant Classification Criteria 13 December 2019. Collection method: clinical testing. Allele origin: germline.

Eurofins Ntd Llc (ga)
Classification: Uncertain significance. Last evaluated: 2015-05-05. Review status: criteria provided, single submitter. Criteria: EGL Classification Definitions 2015. Collection method: clinical testing. Allele origin: germline. Observed: 1 variant allele, 1 heterozygote.

NM_012463.4(ATP6V0A2):c.1430A>T (p.Asn477Ile)

Gene: ATP6V0A2 (ATPase H+ transporting V0 subunit a2; plus strand). Cytogenetic location: 12q24.31.
Variant type: single nucleotide variant.
Coding change: c.1430A>T on transcript NM_012463.4 (MANE Select); coding-DNA position 1430, A replaced by T.
Protein change: p.Asn477Ile; replaces asparagine 477 with isoleucine.
Molecular consequence: missense variant.
Genome position (GRCh38, 1-based): chr12:123,744,700, A>T. VCF-style: chr12-123744700-A-T. GRCh37 (hg19) VCF-style: chr12-124229247-A-T.
Other names: short protein forms N477I.
Identifiers: ClinVar variation 194085 (VCV000194085.12), dbSNP rs532258057, ClinGen allele CA239889.
Genomic context (GRCh38, chr12:123,744,700, plus strand): 5'-TGGGGCTGTTCTCAGTGTACACTGGCCTCATCTACAACGACTGCTTTTCAAAGTCAGTCA[A>T]CCTGTTCGGCTCTGGGTGGAACGTGTCGGCCATGTACAGCTCCAGCCACCCACCCGCAGA-3'
Protein context (NP_036595.2, residues 467-487): IYNDCFSKSV[Asn477Ile]LFGSGWNVSA